The following is an entry in ClinVar:

ClinVar aggregate classification (germline): Uncertain significance (1 of 4 stars; one submission).

Conditions:
Mowat-Wilson syndrome (MOWS). Also called: Classic Mowat-Wilson Syndrome. Identifiers: Orphanet 2152, MedGen C1856113, MONDO:0009341, OMIM 235730.

Allele frequency attached by ClinVar (database versions not stated): ExAC 0.00001; gnomAD exomes 0.00001; TOPMed 0.00001.
gnomAD v4.1: 2 of 1,614,176 alleles (0.00012%); highest among the groups gnomAD compares: Admixed American, 0.0017%; no homozygotes.

Submission:

Labcorp Genetics (formerly Invitae), Labcorp
Classification: Uncertain significance for Mowat-Wilson syndrome. Last evaluated: 2023-08-24. Review status: criteria provided, single submitter. Criteria: Invitae Variant Classification Sherloc (09022015). Collection method: clinical testing. Allele origin: germline.
Comment: This variant has not been reported in the literature in individuals affected with ZEB2-related conditions. This sequence change replaces proline, which is neutral and non-polar, with arginine, which is basic and polar, at codon 735 of the ZEB2 protein (p.Pro735Arg). This variant is present in population databases (rs748324511, gnomAD 0.006%). ClinVar contains an entry for this variant (Variation ID: 970657). Advanced modeling of protein sequence and biophysical properties (such as structural, functional, and spatial information, amino acid conservation, physicochemical variation, residue mobility, and thermodynamic stability) performed at Invitae indicates that this missense variant is not expected to disrupt ZEB2 protein function. In summary, the available evidence is currently insufficient to determine the role of this variant in disease. Therefore, it has been classified as a Variant of Uncertain Significance.

NM_014795.4(ZEB2):c.2204C>G (p.Pro735Arg)

Gene: ZEB2 (zinc finger E-box binding homeobox 2; minus strand). Cytogenetic location: 2q22.3.
Variant type: single nucleotide variant.
Coding change: c.2204C>G on transcript NM_014795.4 (MANE Select); coding-DNA position 2204, C replaced by G.
Protein change: p.Pro735Arg; replaces proline 735 with arginine.
Molecular consequence: missense variant.
Genome position (GRCh38, 1-based): chr2:144,398,983, G>C on the plus strand (C>G on the coding strand, the complement: ZEB2 is on the minus strand). VCF-style: chr2-144398983-G-C. GRCh37 (hg19) VCF-style: chr2-145156550-G-C.
Other names: c.2132C>G, p.Pro711Arg (NM_001171653.2); short protein forms P711R, P735R.
Identifiers: ClinVar variation 970657 (VCV000970657.7), dbSNP rs748324511, ClinGen allele CA1898273.